The following is an entry in ClinVar:

ClinVar aggregate classification (germline): Uncertain significance. Review status: criteria provided, multiple submitters, no conflicts (2 of 4 stars). 8 submissions from 8 submitters: Uncertain significance (6). 2 of the submissions do not count toward it. Last evaluated 2023-03-28.

Conditions:
Inborn genetic diseases. Identifiers: MedGen C0950123, MeSH D030342.
Intellectual developmental disorder, autosomal recessive 5. Also called: Intellectual disability, autosomal recessive 5. Identifiers: Orphanet 88616, MedGen C1970199, MONDO:0012613, OMIM 611091.
Intellectual disability. Also called: Intellectual functioning disability; Intellectual developmental disorder; intellectual disabilities. Identifiers: MedGen C3714756, MeSH D008607, MONDO:0001071, HP:0001249.

Allele frequency attached by ClinVar (database versions not stated): ExAC 0.00047; 1000 Genomes Project 30x 0.00016; TOPMed 0.00065; gnomAD 0.00045 and 0.00044; ESP Exome Variant Server 0.00046; gnomAD exomes 0.00052 and 0.00062; 1000 Genomes Project 0.00020.
gnomAD v4.1: 979 of 1,604,466 alleles (0.061%); highest among the groups gnomAD compares: Admixed American, 0.086%; 2 homozygotes.

Submissions (8):

GeneDx
Classification: Uncertain significance. Last evaluated: 2023-03-28. Review status: criteria provided, single submitter. Criteria: GeneDx Variant Classification Process June 2021. Collection method: clinical testing. Allele origin: germline. Affected: yes.
Comment: In silico analysis supports that this missense variant has a deleterious effect on protein structure/function; Identified in an individual with Dubowitz syndrome who was also heterozygous for another variant in NSUN2 (Dyment DA et al., 2021); This variant is associated with the following publications: (PMID: 33098347)

Labcorp Genetics (formerly Invitae), Labcorp
Classification: Uncertain significance. Last evaluated: 2022-07-05. Review status: criteria provided, single submitter. Criteria: Invitae Variant Classification Sherloc (09022015). Collection method: clinical testing. Allele origin: germline.
Comment: This sequence change replaces histidine, which is basic and polar, with tyrosine, which is neutral and polar, at codon 177 of the NSUN2 protein (p.His177Tyr). This variant is present in population databases (rs149196615, gnomAD 0.2%), and has an allele count higher than expected for a pathogenic variant. This variant has not been reported in the literature in individuals affected with NSUN2-related conditions. ClinVar contains an entry for this variant (Variation ID: 129843). Algorithms developed to predict the effect of missense changes on protein structure and function (SIFT, PolyPhen-2, Align-GVGD) all suggest that this variant is likely to be tolerated. In summary, the available evidence is currently insufficient to determine the role of this variant in disease. Therefore, it has been classified as a Variant of Uncertain Significance.

Fulgent Genetics
Classification: Uncertain significance for Intellectual developmental disorder, autosomal recessive 5. Last evaluated: 2021-11-23. Review status: criteria provided, single submitter. Criteria: ACMG Guidelines, 2015. Collection method: clinical testing. Allele origin: unknown.

Ambry Genetics
Classification: Uncertain significance for Inborn genetic diseases. Last evaluated: 2021-01-08. Review status: criteria provided, single submitter. Criteria: Ambry Variant Classification Scheme 2023. Collection method: clinical testing. Allele origin: germline.
Comment: The c.529C>T (p.H177Y) alteration is located in exon 5 (coding exon 5) of the NSUN2 gene. This alteration results from a C to T substitution at nucleotide position 529, causing the histidine (H) at amino acid position 177 to be replaced by a tyrosine (Y). The p.H177Y alteration is predicted to be tolerated by in silico analysis. Based on insufficient or conflicting evidence, the clinical significance of this alteration remains unclear.

Illumina Laboratory Services, Illumina
Classification: Uncertain significance for Intellectual developmental disorder, autosomal recessive 5. Last evaluated: 2018-01-12. Review status: criteria provided, single submitter. Criteria: ICSL Variant Classification Criteria 13 December 2019. Collection method: clinical testing. Allele origin: germline.

Genetic Services Laboratory, University of Chicago
Classification: Uncertain significance. Last evaluated: 2014-02-13. Review status: criteria provided, single submitter. Criteria: ACMG Guidelines, 2007. Collection method: clinical testing. Allele origin: germline. Inheritance: Autosomal recessive inheritance.

Centre de Biologie Pathologie Génétique, Centre Hospitalier Universitaire de Lille
Classification: Uncertain significance for Intellectual disability. Last evaluated: 2019-01-01. Review status: no assertion criteria provided. Collection method: clinical testing. Allele origin: unknown. Affected: yes. Not counted in ClinVar's aggregate classification.

University of Washington Center for Mendelian Genomics, University of Washington
Classification: Likely pathogenic for Intellectual developmental disorder, autosomal recessive 5. Review status: no assertion criteria provided. Collection method: research. Allele origin: inherited. Affected: yes. Not counted in ClinVar's aggregate classification.

Literature cited by the submitters: PubMed 33098347 (cited by University of Washington Center for Mendelian Genomics, University of Washington).

NM_017755.6(NSUN2):c.529C>T (p.His177Tyr)

Gene: NSUN2 (NOP2/Sun RNA methyltransferase 2; minus strand). Cytogenetic location: 5p15.31.
Variant type: single nucleotide variant.
Coding change: c.529C>T on transcript NM_017755.6 (MANE Select); coding-DNA position 529, C replaced by T.
Protein change: p.His177Tyr; replaces histidine 177 with tyrosine.
Molecular consequence: missense variant. On other transcripts: non-coding transcript variant (1).
Genome position (GRCh38, 1-based): chr5:6,623,222, G>A on the plus strand (C>T on the coding strand, the complement: NSUN2 is on the minus strand). VCF-style: chr5-6623222-G-A. GRCh37 (hg19) VCF-style: chr5-6623335-G-A.
Other names: c.424C>T, p.His142Tyr (NM_001193455.2); short protein forms H177Y, H142Y.
Identifiers: ClinVar variation 129843 (VCV000129843.17), dbSNP rs149196615, ClinGen allele CA231354.
Genomic context (GRCh38, chr5:6,623,222, plus strand): 5'-TGACACTGGTAACAAGCTGCCCGCCCCCACGTTTCTAGTTGCTATATGCTACCTTATGAT[G>A]AGGCCGCACGTTGAGGAGCAGTGGTGGGATCATGCTAACAGCTTCTTGACGACTAATATT-3'
Protein context (NP_060225.4, residues 167-187): IPPLLLNVRP[His177Tyr]HKILDMCAAP